The following is an entry in ClinVar:

NM_138413.4(HOGA1):c.*94C>T

Gene: HOGA1 (4-hydroxy-2-oxoglutarate aldolase 1; plus strand). Cytogenetic location: 10q24.2.
Variant type: single nucleotide variant.
Coding change: c.*94C>T on transcript NM_138413.4 (MANE Select); 94 bases downstream of the stop codon, C replaced by T.
Molecular consequence: 3 prime UTR variant.
Genome position (GRCh38, 1-based): chr10:97,611,753, C>T. VCF-style: chr10-97611753-C-T. GRCh37 (hg19) VCF-style: chr10-99371510-C-T.
Other names: c.*94C>T (NM_001134670.2).
Identifiers: ClinVar variation 879965 (VCV000879965.6), dbSNP rs116711005, ClinGen allele CA212683748.

ClinVar aggregate classification (germline): Benign/Likely benign. Review status: criteria provided, multiple submitters, no conflicts (2 of 4 stars). 3 submissions from 3 submitters: Benign (2); Likely benign (1). Last evaluated 2021-06-09.

Conditions:
Primary hyperoxaluria type 3. Also called: PH III. Identifiers: Orphanet 416, Orphanet 93600, MedGen C3150878, MONDO:0013327, OMIM 613616. Disease mechanism: loss of function.

Allele frequency attached by ClinVar (database versions not stated): gnomAD 0.00647 and 0.00688; TOPMed 0.00741; 1000 Genomes Project 0.00958; 1000 Genomes Project 30x 0.00984.
gnomAD v4.1: 1,862 of 1,468,510 alleles (0.13%); highest among the groups gnomAD compares: African/African-American, 2.2%; 20 homozygotes.

Submissions (3):

GeneDx
Classification: Likely benign. Last evaluated: 2021-06-09. Review status: criteria provided, single submitter. Criteria: GeneDx Variant Classification Process June 2021. Collection method: clinical testing. Allele origin: germline. Affected: yes.
Comment: See Variant Classification Assertion Criteria.

Illumina Laboratory Services, Illumina
Classification: Benign for Primary hyperoxaluria type 3. Last evaluated: 2018-01-12. Review status: criteria provided, single submitter. Criteria: ICSL Variant Classification Criteria 13 December 2019. Collection method: clinical testing. Allele origin: germline.
Comment: This variant was observed in the ICSL laboratory as part of a predisposition screen in an ostensibly healthy population. It had not been previously curated by ICSL or reported in the Human Gene Mutation Database (HGMD: prior to June 1st, 2018), and was therefore a candidate for classification through an automated scoring system. Utilizing variant allele frequency, disease prevalence and penetrance estimates, and inheritance mode, an automated score was calculated to assess if this variant is too frequent to cause the disease. Based on the score and internal cut-off values, a variant classified as benign is not then subjected to further curation. The score for this variant resulted in a classification of benign for this disease.

Breakthrough Genomics
Classification: Benign. Review status: criteria provided, single submitter. Criteria: ACMG Guidelines, 2015. Collection method: not provided. Allele origin: germline. Inheritance: Autosomal recessive inheritance. Affected: yes.